The following is an entry in ClinVar:

ClinVar aggregate classification (germline): Uncertain significance. Review status: criteria provided, multiple submitters, no conflicts (2 of 4 stars). 4 submissions from 4 submitters: Uncertain significance (4). Last evaluated 2025-11-03.

Conditions:
Hereditary cancer-predisposing syndrome. Also called: Tumor predisposition; Hereditary Cancer Syndrome; Neoplastic Syndromes, Hereditary; Hereditary neoplastic syndrome. Identifiers: Orphanet 140162, MedGen C0027672, MeSH D009386, MONDO:0015356.
Basal cell carcinoma, susceptibility to, 1. Also called: BCC1. Identifiers: MedGen C2751544, MONDO:0011556, OMIM 605462.
Gorlin syndrome. Also called: Basal cell nevus syndrome; Nevoid Basal Cell Carcinoma Syndrome. Identifiers: Orphanet 377, MedGen C0004779, MONDO:0007187.

Allele frequency attached by ClinVar (database versions not stated): TOPMed below 0.00001.
gnomAD v4.1: 2 of 1,614,226 alleles (0.00012%); highest among the groups gnomAD compares: Non-Finnish European, 0.000085%; no homozygotes.

Submissions (4):

Labcorp Genetics (formerly Invitae), Labcorp
Classification: Uncertain significance for Gorlin syndrome. Last evaluated: 2025-11-03. Review status: criteria provided, single submitter. Criteria: Invitae Variant Classification Sherloc (09022015). Collection method: clinical testing. Allele origin: germline.
Comment: This sequence change replaces glutamine, which is neutral and polar, with leucine, which is neutral and non-polar, at codon 1433 of the PTCH1 protein (p.Gln1433Leu). This variant is not present in population databases (gnomAD no frequency). This variant has not been reported in the literature in individuals affected with PTCH1-related conditions. ClinVar contains an entry for this variant (Variation ID: 453892). Invitae Evidence Modeling of protein sequence and biophysical properties (such as structural, functional, and spatial information, amino acid conservation, physicochemical variation, residue mobility, and thermodynamic stability) indicates that this missense variant is not expected to disrupt PTCH1 protein function with a negative predictive value of 95%. In summary, the available evidence is currently insufficient to determine the role of this variant in disease. Therefore, it has been classified as a Variant of Uncertain Significance.

Ambry Genetics
Classification: Uncertain significance for Hereditary cancer-predisposing syndrome. Last evaluated: 2024-02-27. Review status: criteria provided, single submitter. Criteria: Ambry Variant Classification Scheme 2023. Collection method: clinical testing. Allele origin: germline.
Comment: The p.Q1433L variant (also known as c.4298A>T), located in coding exon 23 of the PTCH1 gene, results from an A to T substitution at nucleotide position 4298. The glutamine at codon 1433 is replaced by leucine, an amino acid with dissimilar properties. This amino acid position is conserved. In addition, the in silico prediction for this alteration is inconclusive. Since supporting evidence is limited at this time, the clinical significance of this alteration remains unclear.

Baylor Genetics
Classification: Uncertain significance for Basal cell carcinoma, susceptibility to, 1. Last evaluated: 2023-08-10. Review status: criteria provided, single submitter. Criteria: ACMG Guidelines, 2015. Collection method: clinical testing. Allele origin: unknown.

GeneDx
Classification: Uncertain significance. Last evaluated: 2022-09-29. Review status: criteria provided, single submitter. Criteria: GeneDx Variant Classification Process June 2021. Collection method: clinical testing. Allele origin: germline. Affected: yes.
Comment: Not observed at significant frequency in large population cohorts (gnomAD); In silico analysis supports that this missense variant does not alter protein structure/function; Has not been previously published as pathogenic or benign to our knowledge

NM_000264.5(PTCH1):c.4298A>T (p.Gln1433Leu)

Gene: PTCH1 (patched 1; minus strand). Cytogenetic location: 9q22.32.
Variant type: single nucleotide variant.
Coding change: c.4298A>T on transcript NM_000264.5 (MANE Select); coding-DNA position 4298, A replaced by T.
Protein change: p.Gln1433Leu; replaces glutamine 1433 with leucine.
Molecular consequence: missense variant. On other transcripts: non-coding transcript variant (1).
Genome position (GRCh38, 1-based): chr9:95,446,958, T>A on the plus strand (A>T on the coding strand, the complement: PTCH1 is on the minus strand). VCF-style: chr9-95446958-T-A. GRCh37 (hg19) VCF-style: chr9-98209240-T-A.
Other names: c.4100A>T, p.Gln1367Leu (NM_001083602.3); c.4295A>T, p.Gln1432Leu (NM_001083603.3); c.3845A>T, p.Gln1282Leu (NM_001083604.3, NM_001083605.3, NM_001083606.3 and 1 more transcripts); c.4142A>T, p.Gln1381Leu (NM_001354918.2); short protein forms Q1433L, Q1367L, Q1381L, Q1282L, Q1432L.
Identifiers: ClinVar variation 453892 (VCV000453892.12), dbSNP rs772802013, ClinGen allele CA374109931.